The following is an entry in ClinVar:

ClinVar aggregate classification (germline): Conflicting classifications of pathogenicity. Review status: criteria provided, conflicting classifications (1 of 4 stars). 2 submissions from 2 submitters: Uncertain significance (1); Likely benign (1). Last evaluated 2025-11-17.

Conditions:
POLD1-related polyposis and colorectal cancer syndrome (CRCS10). Also called: COLORECTAL CANCER, SUSCEPTIBILITY TO, ON CHROMOSOME 19q; Colorectal cancer 10; Colorectal cancer, susceptibility to, 10. Identifiers: Orphanet 220460, MedGen C2675481, MONDO:0012953, OMIM 612591.
Hereditary cancer-predisposing syndrome. Also called: Hereditary Cancer Syndrome; Neoplastic Syndromes, Hereditary; Hereditary neoplastic syndrome; Tumor predisposition. Identifiers: Orphanet 140162, MedGen C0027672, MeSH D009386, MONDO:0015356.

Allele frequency attached by ClinVar (database versions not stated): gnomAD exomes below 0.00001.
gnomAD v4.1: 1 of 1,602,940 alleles (0.000062%); highest among the groups gnomAD compares: Non-Finnish European, 0.000085%; no homozygotes.

Submissions (2):

Labcorp Genetics (formerly Invitae), Labcorp
Classification: Uncertain significance for POLD1-related polyposis and colorectal cancer syndrome. Last evaluated: 2025-11-17. Review status: criteria provided, single submitter. Criteria: Invitae Variant Classification Sherloc (09022015). Collection method: clinical testing. Allele origin: germline.
Comment: This sequence change replaces leucine, which is neutral and non-polar, with phenylalanine, which is neutral and non-polar, at codon 590 of the POLD1 protein (p.Leu590Phe). The frequency data for this variant in the population databases is considered unreliable, as metrics indicate poor data quality at this position in the gnomAD database. This variant has not been reported in the literature in individuals affected with POLD1-related conditions. ClinVar contains an entry for this variant (Variation ID: 239253). Invitae Evidence Modeling of protein sequence and biophysical properties (such as structural, functional, and spatial information, amino acid conservation, physicochemical variation, residue mobility, and thermodynamic stability) indicates that this missense variant is not expected to disrupt POLD1 protein function with a negative predictive value of 80%. In summary, the available evidence is currently insufficient to determine the role of this variant in disease. Therefore, it has been classified as a Variant of Uncertain Significance.

Ambry Genetics
Classification: Likely benign for Hereditary cancer-predisposing syndrome. Last evaluated: 2024-11-08. Review status: criteria provided, single submitter. Criteria: Ambry Variant Classification Scheme 2023. Collection method: clinical testing. Allele origin: germline.

NM_002691.4(POLD1):c.1768C>T (p.Leu590Phe)

Gene: POLD1 (DNA polymerase delta 1, catalytic subunit; plus strand). Cytogenetic location: 19q13.33.
Variant type: single nucleotide variant.
Coding change: c.1768C>T on transcript NM_002691.4 (MANE Select); coding-DNA position 1768, C replaced by T.
Protein change: p.Leu590Phe; replaces leucine 590 with phenylalanine.
Molecular consequence: missense variant. On other transcripts: non-coding transcript variant (1).
Genome position (GRCh38, 1-based): chr19:50,407,408, C>T. VCF-style: chr19-50407408-C-T. GRCh37 (hg19) VCF-style: chr19-50910665-C-T.
Other names: c.1768C>T, p.Leu590Phe (NM_001256849.1, NM_001308632.1); c.1768C>T (NM_002691.2); short protein forms L590F.
Identifiers: ClinVar variation 239253 (VCV000239253.11), dbSNP rs878854526, ClinGen allele CA10583832.
Genomic context (GRCh38, chr19:50,407,408, plus strand): 5'-ATGCCCGTGGTGAAGTCAGAGGGCGGCGAGGACTACACGGGAGCCACTGTCATCGAGCCC[C>T]TCAAAGGGTGAGGCCCCAGGCTGGGTGCAGTTTTTACCTGTAATCTCTGGGAGGCTGAGG-3'
Protein context (NP_002682.2, residues 580-600): DYTGATVIEP[Leu590Phe]KGYYDVPIAT